The following is an entry in ClinVar:

ClinVar aggregate classification (germline): Uncertain significance. Review status: criteria provided, multiple submitters, no conflicts (2 of 4 stars). 3 submissions from 3 submitters: Uncertain significance (3). Last evaluated 2026-01-15.

Conditions:
Inborn genetic diseases. Identifiers: MedGen C0950123, MeSH D030342.

Allele frequency attached by ClinVar (database versions not stated): gnomAD 0.00001; gnomAD exomes 0.00002; TOPMed 0.00005; ExAC 0.00006; ESP Exome Variant Server 0.00008.

Submissions (3):

Labcorp Genetics (formerly Invitae), Labcorp
Classification: Uncertain significance. Last evaluated: 2026-01-15. Review status: criteria provided, single submitter. Criteria: Invitae Variant Classification Sherloc (09022015). Collection method: clinical testing. Allele origin: germline.
Comment: This sequence change replaces asparagine, which is neutral and polar, with serine, which is neutral and polar, at codon 248 of the PROM1 protein (p.Asn248Ser). This variant is present in population databases (rs201268754, gnomAD 0.009%). This variant has not been reported in the literature in individuals affected with PROM1-related conditions. ClinVar contains an entry for this variant (Variation ID: 1350288). Invitae Evidence Modeling of protein sequence and biophysical properties (such as structural, functional, and spatial information, amino acid conservation, physicochemical variation, residue mobility, and thermodynamic stability) indicates that this missense variant is not expected to disrupt PROM1 protein function with a negative predictive value of 80%. In summary, the available evidence is currently insufficient to determine the role of this variant in disease. Therefore, it has been classified as a Variant of Uncertain Significance.

Ambry Genetics
Classification: Uncertain significance for Inborn genetic diseases. Last evaluated: 2024-10-19. Review status: criteria provided, single submitter. Criteria: Ambry Variant Classification Scheme 2023. Collection method: clinical testing. Allele origin: germline.

Blueprint Genetics
Classification: Uncertain significance. Last evaluated: 2021-09-06. Review status: criteria provided, single submitter. Criteria: ACMG Guidelines, 2015. Collection method: clinical testing. Allele origin: germline.

NM_006017.3(PROM1):c.743A>G (p.Asn248Ser)

Gene: PROM1 (prominin 1; minus strand). Cytogenetic location: 4p15.32.
Variant type: single nucleotide variant.
Coding change: c.743A>G on transcript NM_006017.3 (MANE Select); coding-DNA position 743, A replaced by G.
Protein change: p.Asn248Ser; replaces asparagine 248 with serine.
Molecular consequence: missense variant.
Genome position (GRCh38, 1-based): chr4:16,023,367, T>C on the plus strand (A>G on the coding strand, the complement: PROM1 is on the minus strand). VCF-style: chr4-16023367-T-C. GRCh37 (hg19) VCF-style: chr4-16024990-T-C.
Other names: c.716A>G, p.Asn239Ser (NM_001145847.2, NM_001145848.2, NM_001145851.2 and 4 more transcripts); c.743A>G, p.Asn248Ser (NM_001145849.2, NM_001145850.2); c.743A>G (NM_006017.2); short protein forms N239S, N248S.
Identifiers: ClinVar variation 1350288 (VCV001350288.10), dbSNP rs201268754, ClinGen allele CA2866968.
Genomic context (GRCh38, chr4:16,023,367, plus strand): 5'-ATTTTTGCCCACTGCTTACCTGTTGCCATGGACTTAATCTCATCAAGAACAGGGATGATG[T>C]TGGGTCTCAGTCGGTCAAGAATTCCGCCTCCTAGCACTGAATTGATACCTACATGCAAAT-3'
Protein context (NP_006008.1, residues 238-258): GGGILDRLRP[Asn248Ser]IIPVLDEIKS